The following is an entry in ClinVar:

NM_004958.4(MTOR):c.4275G>C (p.Gln1425His)

Gene: MTOR (mechanistic target of rapamycin kinase; minus strand). Cytogenetic location: 1p36.22.
Variant type: single nucleotide variant.
Coding change: c.4275G>C on transcript NM_004958.4 (MANE Select); coding-DNA position 4275, G replaced by C.
Protein change: p.Gln1425His; replaces glutamine 1425 with histidine.
Molecular consequence: missense variant.
Genome position (GRCh38, 1-based): chr1:11,167,496, C>G on the plus strand (G>C on the coding strand, the complement: MTOR is on the minus strand). VCF-style: chr1-11167496-C-G. GRCh37 (hg19) VCF-style: chr1-11227553-C-G.
Other names: c.4275G>C, p.Gln1425His (NM_001386500.1); c.3027G>C, p.Gln1009His (NM_001386501.1); short protein forms Q1425H, Q1009H.
Identifiers: ClinVar variation 2816892 (VCV002816892.3), dbSNP rs1388736066, ClinGen allele CA338375450.
Genomic context (GRCh38, chr1:11,167,496, plus strand): 5'-GCTTACCAGCTCTCCAAAGTGTTTCATGGCATATTCTAACACTCCGGCCGCTGCCTCCGG[C>G]TGCTGTAGCTTATTATTAATGCTGAGAAAACAAAGGGAAAAGGTAGTTACACTCAACAGG-3'
Protein context (NP_004949.1, residues 1415-1435): SLISINNKLQ[Gln1425His]PEAAAGVLEY

ClinVar aggregate classification (germline): Uncertain significance (1 of 4 stars; one submission).

Submission:

Labcorp Genetics (formerly Invitae), Labcorp
Classification: Uncertain significance. Last evaluated: 2022-11-26. Review status: criteria provided, single submitter. Criteria: Invitae Variant Classification Sherloc (09022015). Collection method: clinical testing. Allele origin: germline.
Comment: This variant is not present in population databases (gnomAD no frequency). This sequence change replaces glutamine, which is neutral and polar, with histidine, which is basic and polar, at codon 1425 of the MTOR protein (p.Gln1425His). In summary, the available evidence is currently insufficient to determine the role of this variant in disease. Therefore, it has been classified as a Variant of Uncertain Significance. Advanced modeling of protein sequence and biophysical properties (such as structural, functional, and spatial information, amino acid conservation, physicochemical variation, residue mobility, and thermodynamic stability) performed at Invitae indicates that this missense variant is not expected to disrupt MTOR protein function. This variant has not been reported in the literature in individuals affected with MTOR-related conditions.